The following is an entry in ClinVar:

NM_152490.5(B3GALNT2):c.1081A>C (p.Ile361Leu)

Gene: B3GALNT2 (beta-1,3-N-acetylgalactosaminyltransferase 2; minus strand). Cytogenetic location: 1q42.3.
Variant type: single nucleotide variant.
Coding change: c.1081A>C on transcript NM_152490.5 (MANE Select); coding-DNA position 1081, A replaced by C.
Protein change: p.Ile361Leu; replaces isoleucine 361 with leucine.
Molecular consequence: missense variant.
Genome position (GRCh38, 1-based): chr1:235,455,629, T>G on the plus strand (A>C on the coding strand, the complement: B3GALNT2 is on the minus strand). VCF-style: chr1-235455629-T-G. GRCh37 (hg19) VCF-style: chr1-235618941-T-G.
Other names: short protein forms I361L.
Identifiers: ClinVar variation 1055131 (VCV001055131.3), dbSNP rs1470669806, ClinGen allele CA344957925.

ClinVar aggregate classification (germline): Uncertain significance (1 of 4 stars; one submission).

Conditions:
Muscular dystrophy-dystroglycanopathy (congenital with brain and eye anomalies), type a, 11 (MDDGA11). Also called: WALKER-WARBURG SYNDROME OR MUSCLE-EYE-BRAIN DISEASE, B3GALNT2-RELATED; Congenital muscular dystrophy-dystroglycanopathy with brain and eye anomalies, type A11; Muscular dystrophy-dystroglycanopathy (congenital with brain and eye anomalies, type A, 11. Identifiers: Orphanet 588, Orphanet 899, MedGen C3554638, MONDO:0014071, OMIM 615181.

Allele frequency attached by ClinVar (database versions not stated): TOPMed 0.00001.
gnomAD v4.1: 5 of 1,604,668 alleles (0.00031%); highest among the groups gnomAD compares: Non-Finnish European, 0.00043%; no homozygotes.

Submission:

Labcorp Genetics (formerly Invitae), Labcorp
Classification: Uncertain significance for Muscular dystrophy-dystroglycanopathy (congenital with brain and eye anomalies), type a, 11. Last evaluated: 2020-07-15. Review status: criteria provided, single submitter. Criteria: Invitae Variant Classification Sherloc (09022015). Collection method: clinical testing. Allele origin: germline.
Comment: This sequence change replaces isoleucine with leucine at codon 361 of the B3GALNT2 protein (p.Ile361Leu). The isoleucine residue is moderately conserved and there is a small physicochemical difference between isoleucine and leucine. This variant is not present in population databases (ExAC no frequency). This variant has not been reported in the literature in individuals with B3GALNT2-related conditions. Algorithms developed to predict the effect of missense changes on protein structure and function (SIFT, PolyPhen-2, Align-GVGD) all suggest that this variant is likely to be tolerated, but these predictions have not been confirmed by published functional studies and their clinical significance is uncertain. In summary, the available evidence is currently insufficient to determine the role of this variant in disease. Therefore, it has been classified as a Variant of Uncertain Significance.